The following is an entry in ClinVar:

ClinVar aggregate classification (germline): Conflicting classifications of pathogenicity. Review status: criteria provided, conflicting classifications (1 of 4 stars). 4 submissions from 4 submitters: Likely pathogenic (2); Uncertain significance (2). Last evaluated 2024-02-28.

Conditions:
Maturity-onset diabetes of the young type 3. Also called: MODY type 3; MODY, type III. Identifiers: Orphanet 552, MedGen C1838100, MeSH C563933, MONDO:0010894, OMIM 600496. Disease mechanism: loss of function.
Type 2 diabetes mellitus. Also called: Type II diabetes mellitus. Identifiers: MedGen C0011860, MeSH D003924, MONDO:0005148, OMIM 125853, HP:0005978.
Nonpapillary renal cell carcinoma. Identifiers: Orphanet 422526, MedGen CN074294, MONDO:0007763, OMIM 144700.
Diabetes mellitus type 1 (T1D). Also called: Type I diabetes mellitus; Diabetes Mellitus, Juvenile-Onset. Identifiers: MedGen C0011854, MONDO:0005147, OMIM 222100, HP:0100651.
Hepatic adenomas, familial. Also called: HEPATIC ADENOMA, SOMATIC; LIVER CELL ADENOMAS, FAMILIAL. Identifiers: MedGen C1840646, MONDO:0007718, OMIM 142330.
Type 1 diabetes mellitus 20 (T1D20). Also called: Diabetes mellitus, insulin-dependent, 20. Identifiers: MedGen C2675866, MONDO:0012919, OMIM 612520.
Maturity-onset diabetes of the young (MODY). Also called: Maturity onset diabetes mellitus in young. Identifiers: Orphanet 552, MedGen C0342276, MONDO:0018911, HP:0004904.

Submissions (4):

Labcorp Genetics (formerly Invitae), Labcorp
Classification: Uncertain significance. Last evaluated: 2024-02-28. Review status: criteria provided, single submitter. Criteria: Invitae Variant Classification Sherloc (09022015). Collection method: clinical testing. Allele origin: germline.
Comment: This variant, c.824_826del, results in the deletion of 1 amino acid(s) of the HNF1A protein (p.Glu275del), but otherwise preserves the integrity of the reading frame. This variant is present in population databases (no rsID available, gnomAD 0.002%). This variant has been observed in individual(s) with clinical features of monogenic diabetes of the young (MODY) (PMID: 23348805, 23517481; Invitae). ClinVar contains an entry for this variant (Variation ID: 586795). Algorithms developed to predict the effect of variants on protein structure and function are not available or were not evaluated for this variant. Experimental studies have shown that this variant affects HNF1A function (PMID: 27899486). In summary, the available evidence is currently insufficient to determine the role of this variant in disease. Therefore, it has been classified as a Variant of Uncertain Significance.

Fulgent Genetics
Classification: Likely pathogenic for Type 2 diabetes mellitus; Hepatic adenomas, familial; Nonpapillary renal cell carcinoma; Diabetes mellitus type 1; Maturity-onset diabetes of the young type 3; Type 1 diabetes mellitus 20. Last evaluated: 2022-02-18. Review status: criteria provided, single submitter. Criteria: ACMG Guidelines, 2015. Collection method: clinical testing. Allele origin: unknown.

Athena Diagnostics
Classification: Likely pathogenic. Last evaluated: 2020-09-28. Review status: criteria provided, single submitter. Criteria: Athena Diagnostics criteria. Collection method: clinical testing. Allele origin: unknown.
Comment: The frequency of this variant in the general population is consistent with pathogenicity. This variant has been identified in at least one individual with clinical features associated with this gene. Assessment of experimental evidence suggests this variant results in abnormal protein function. The variant impaired the DNA binding and transactivation activity of the protein (PMID: 27899486). The variant is located in a region that is considered important for protein function and/or structure.

Clinical Genomics, Uppaluri K&H Personalized Medicine Clinic
Classification: Uncertain significance for Maturity-onset diabetes of the young. Review status: criteria provided, single submitter. Criteria: K & H Uppaluri Personalized Medicine Clinic Variant Classification & Assertion Criteria_Updated V.1. Collection method: research. Allele origin: unknown.
Comment: Mutations in HNF1A gene can predispose to MODY3. It is associated with both micro and macrovascular complications of diabetes, especially cardiovascular complications. Associated with glucosuria. May respond well to sulfonylureas. However, more evidence is required to confer the association of this particular variant rs1288094664 with MODY3.

Literature cited by the submitters: PubMed 23348805 (cited by Labcorp Genetics (formerly Invitae), Labcorp and Athena Diagnostics); PubMed 23517481 (cited by Labcorp Genetics (formerly Invitae), Labcorp and Athena Diagnostics); PubMed 27899486 (cited by Labcorp Genetics (formerly Invitae), Labcorp and Athena Diagnostics); PubMed 24097065 (cited by Athena Diagnostics); PubMed 31517624 (cited by Clinical Genomics, Uppaluri K&H Personalized Medicine Clinic); PubMed 32395877 (cited by Clinical Genomics, Uppaluri K&H Personalized Medicine Clinic); PubMed 35328643 (cited by Clinical Genomics, Uppaluri K&H Personalized Medicine Clinic); PubMed 35673428 (cited by Clinical Genomics, Uppaluri K&H Personalized Medicine Clinic).

NM_000545.8(HNF1A):c.818AAG[2] (p.Glu275del)

Gene: HNF1A (HNF1 homeobox A; plus strand). Cytogenetic location: 12q24.31.
Variant type: Microsatellite.
Coding change: c.818AAG[2] on transcript NM_000545.8 (MANE Select); two copies in a row of the 3-base unit AAG starting at c.818; the reference has three copies in a row; one copy, 3 bases deleted; also written c.824_826del.
Protein change: p.Glu275del; deletes glutamic acid 275.
Molecular consequence: inframe deletion.
Genome position (GRCh38, 1-based): chr12:120,994,274-120,994,276, AAG deleted; deleting any 3 consecutive bases within chr12:120,994,268-120,994,276 gives the same sequence; the position shown is the placement nearest the transcript's 3' end. VCF-style (leftmost placement, unchanged base first): chr12-120994267-AAAG-A. GRCh37 (hg19) VCF-style: chr12-121432070-AAAG-A.
Other names: c.824_826del (NM_000545.8); c.818AAG[2], p.Glu275del (NM_001306179.2); short protein forms E275del.
Identifiers: ClinVar variation 586795 (VCV000586795.6), dbSNP rs1288094664, ClinGen allele CA608060148.